The following is an entry in ClinVar:

ClinVar aggregate classification (germline): Uncertain significance (1 of 4 stars; one submission).

Conditions:
Van der Woude syndrome 2 (VWS2). Identifiers: Orphanet 888, MedGen C1847604, MONDO:0011712, OMIM 606713.

Allele frequency attached by ClinVar (database versions not stated): gnomAD exomes 0.00002; gnomAD 0.00006; TOPMed 0.00008.
gnomAD v4.1: 37 of 1,541,826 alleles (0.0024%); highest among the groups gnomAD compares: Admixed American, 0.004%; no homozygotes.

Submission:

Labcorp Genetics (formerly Invitae), Labcorp
Classification: Uncertain significance for Van der Woude syndrome 2. Last evaluated: 2022-06-27. Review status: criteria provided, single submitter. Criteria: Invitae Variant Classification Sherloc (09022015). Collection method: clinical testing. Allele origin: germline.
Comment: This sequence change replaces arginine, which is basic and polar, with cysteine, which is neutral and slightly polar, at codon 576 of the GRHL3 protein (p.Arg576Cys). Algorithms developed to predict the effect of missense changes on protein structure and function are either unavailable or do not agree on the potential impact of this missense change (SIFT: "Deleterious"; PolyPhen-2: "Benign"; Align-GVGD: "Class C15"). In summary, the available evidence is currently insufficient to determine the role of this variant in disease. Therefore, it has been classified as a Variant of Uncertain Significance. This variant is present in population databases (no rsID available, gnomAD 0.006%). This variant has not been reported in the literature in individuals affected with GRHL3-related conditions.

NC_000001.11:g.24364216C>T

Genes: GRHL3 (grainyhead like transcription factor 3; plus strand), STPG1 (sperm tail PG-rich repeat containing 1; minus strand). Cytogenetic location: 1p36.11.
Variant type: single nucleotide variant.
Molecular consequence: intron variant (on NM_001199013.2). On other transcripts: missense variant (1).
Genome position: GRCh38 VCF-style: chr1-24364216-C-T. GRCh37 (hg19) VCF-style: chr1-24690706-C-T.
Other names: c.1726C>T, p.Arg576Cys (NM_198174.3); c.738-3175G>A (NM_001199012.2, NM_001199013.2); c.597-3175G>A (NM_178122.5); c.462-3175G>A (NM_001199014.2); short protein forms R576C.
Identifiers: ClinVar variation 2150740 (VCV002150740.3), dbSNP rs893330497, ClinGen allele CA19387637.